The following is an entry in ClinVar:

ClinVar aggregate classification (germline): Likely benign (0 of 4 stars; one submission).

Conditions:
ATP2C1-related disorder. Also called: ATP2C1-related condition.

Allele frequency attached by ClinVar (database versions not stated): ExAC 0.00001.
gnomAD v4.1: 5 of 1,614,058 alleles (0.00031%); highest among the groups gnomAD compares: Admixed American, 0.0067%; no homozygotes.

Submission:

PreventionGenetics, part of Exact Sciences
Classification: Likely benign for ATP2C1-related condition. Last evaluated: 2019-11-11. Review status: no assertion criteria provided. Collection method: clinical testing. Allele origin: germline.
Comment: This variant is classified as likely benign based on ACMG/AMP sequence variant interpretation guidelines (Richards et al. 2015 PMID: 25741868, with internal and published modifications).

NM_001378687.1(ATP2C1):c.-8G>A

Gene: ATP2C1 (ATPase secretory pathway Ca2+ transporting 1; plus strand). Cytogenetic location: 3q22.1.
Variant type: single nucleotide variant.
Coding change: c.-8G>A on transcript NM_001378687.1 (MANE Select); 8 bases upstream of the start codon, G replaced by A.
Molecular consequence: 5 prime UTR variant. On other transcripts: intron variant (7).
Genome position (GRCh38, 1-based): chr3:130,894,762, G>A. VCF-style: chr3-130894762-G-A. GRCh37 (hg19) VCF-style: chr3-130613606-G-A.
Other names: c.-8G>A (NM_001001485.3, NM_001001486.2, NM_001001487.2 and 5 more transcripts); c.109-35654G>A (NM_001378511.1, NM_001199180.2, NM_001199182.2 and 1 more transcripts); c.-43+425G>A (NM_001378514.1, NM_001199183.2, NM_001199184.3).
Identifiers: ClinVar variation 3045395 (VCV003045395.2), dbSNP rs754745816, ClinGen allele CA2614667.